The following is an entry in ClinVar:

NM_001365276.2(TNXB):c.9083G>A (p.Arg3028His)

Gene: TNXB (tenascin XB; minus strand). Cytogenetic location: 6p21.33.
Variant type: single nucleotide variant.
Coding change: c.9083G>A on transcript NM_001365276.2 (MANE Select); coding-DNA position 9083, G replaced by A.
Protein change: p.Arg3028His; replaces arginine 3028 with histidine.
Molecular consequence: missense variant.
Genome position (GRCh38, 1-based): chr6:32,052,702, C>T on the plus strand (G>A on the coding strand, the complement: TNXB is on the minus strand). VCF-style: chr6-32052702-C-T. GRCh37 (hg19) VCF-style: chr6-32020479-C-T.
Other names: c.9077G>A, p.Arg3026His (NM_019105.8); short protein forms R3026H, R3028H.
Identifiers: ClinVar variation 1197047 (VCV001197047.8), dbSNP rs189416175, ClinGen allele CA3733655.
Genomic context (GRCh38, chr6:32,052,702, plus strand): 5'-CCACCTCGCCTCACTCACACTTACTCACCTGTCACACCCACAGCGGACACTGGGCCCACG[C>T]GCTGCCCCTCGTGGAGGCCGTACAGGTGCATCTTGTATTTGCACCCGGGCTCCAGGCCCC-3'
Protein context (NP_001352205.1, residues 3018-3038): MHLYGLHEGQ[Arg3028His]VGPVSAVGVT

ClinVar aggregate classification (germline): Conflicting classifications of pathogenicity. Review status: criteria provided, conflicting classifications (1 of 4 stars). 3 submissions from 3 submitters: Uncertain significance (2); Likely benign (1). Last evaluated 2025-01-09.

Conditions:
Cardiovascular phenotype. Identifiers: MedGen CN230736.
TNXB-related disorder. Also called: TNXB-related condition.

Allele frequency attached by ClinVar (database versions not stated): TOPMed 0.00007; gnomAD exomes 0.00008 and 0.00017; ExAC 0.00011; gnomAD 0.00012 and 0.00013; 1000 Genomes Project 30x 0.00016; 1000 Genomes Project 0.00020; ESP Exome Variant Server 0.00025.
gnomAD v4.1: 149 of 1,613,654 alleles (0.0092%); highest among the groups gnomAD compares: Admixed American, 0.025%; 1 homozygote.

Submissions (3):

Ambry Genetics
Classification: Likely benign for Cardiovascular phenotype. Last evaluated: 2025-01-09. Review status: criteria provided, single submitter. Criteria: Ambry Variant Classification Scheme 2023. Collection method: clinical testing. Allele origin: germline.

GeneDx
Classification: Uncertain significance. Last evaluated: 2024-05-24. Review status: criteria provided, single submitter. Criteria: GeneDx Variant Classification Process June 2021. Collection method: clinical testing. Allele origin: germline. Affected: yes.
Comment: Has not been previously published as pathogenic or benign to our knowledge; In silico analysis supports that this missense variant has a deleterious effect on protein structure/function

PreventionGenetics, part of Exact Sciences
Classification: Uncertain significance for TNXB-related condition. Last evaluated: 2023-03-14. Review status: criteria provided, single submitter. Criteria: ACMG Guidelines, 2015. Collection method: clinical testing. Allele origin: germline.
Comment: The TNXB c.9077G>A variant is predicted to result in the amino acid substitution p.Arg3026His. To our knowledge, this variant has not been reported in the literature. This variant is reported in 0.072% of alleles in individuals of European (Finnish) descent in gnomAD. Although we suspect that this variant may be benign, at this time, the clinical significance of this variant is uncertain due to the absence of conclusive functional and genetic evidence.